The following is an entry in ClinVar:

ClinVar aggregate classification (germline): Likely benign (1 of 4 stars; one submission).

Conditions:
TRPC5-related disorder. Also called: TRPC5-related condition.

gnomAD v4.1: 1 of 1,211,539 alleles (0.000083%); highest among the groups gnomAD compares: Non-Finnish European, 0.00011%; no homozygotes.

Submission:

PreventionGenetics, part of Exact Sciences
Classification: Likely benign for TRPC5-related condition. Last evaluated: 2026-04-30. Review status: criteria provided, single submitter. Criteria: ACMG Guidelines, 2015. Collection method: clinical testing. Allele origin: germline.
Comment: This variant is classified as likely benign based on ACMG/AMP sequence variant interpretation guidelines (Richards et al. 2015 PMID: 25741868, with internal and published modifications).

NM_012471.3(TRPC5):c.1515T>C (p.Pro505=)

Gene: TRPC5 (transient receptor potential cation channel subfamily C member 5; minus strand). Cytogenetic location: Xq23.
Variant type: single nucleotide variant.
Coding change: c.1515T>C on transcript NM_012471.3 (MANE Select); coding-DNA position 1515, T replaced by C.
Protein change: p.Pro505=; no amino-acid change (proline 505 retained).
Molecular consequence: synonymous variant.
Genome position (GRCh38, 1-based): chrX:111,847,299, A>G on the plus strand (T>C on the coding strand, the complement: TRPC5 is on the minus strand). VCF-style: chrX-111847299-A-G. GRCh37 (hg19) VCF-style: chrX-111090527-A-G.
Identifiers: ClinVar variation 4990245 (VCV004990245.1).